The following is an entry in ClinVar:

NM_138413.4(HOGA1):c.234T>A (p.Asn78Lys)

Gene: HOGA1 (4-hydroxy-2-oxoglutarate aldolase 1; plus strand). Cytogenetic location: 10q24.2.
Variant type: single nucleotide variant.
Coding change: c.234T>A on transcript NM_138413.4 (MANE Select); coding-DNA position 234, T replaced by A.
Protein change: p.Asn78Lys; replaces asparagine 78 with lysine.
Molecular consequence: missense variant. On other transcripts: intron variant (1).
Genome position (GRCh38, 1-based): chr10:97,598,797, T>A. VCF-style: chr10-97598797-T-A. GRCh37 (hg19) VCF-style: chr10-99358554-T-A.
Other names: c.212-3060T>A (NM_001134670.2); short protein forms N78K.
Identifiers: ClinVar variation 2664108 (VCV002664108.2), dbSNP rs769137843, ClinGen allele CA5634024.
Genomic context (GRCh38, chr10:97,598,797, plus strand): 5'-GAGGATGGGAAGGAGTTAGTCAGCTGTGTCTCTTGCAGGCTTCGTGGTCCAGGGCTCCAA[T>A]GGCGAGTTTCCTTTCCTGACCAGCAGTGAGCGCCTCGAGGTGGTGAGCCGTGTGCGCCAG-3'
Protein context (NP_612422.2, residues 68-88): PFRGFVVQGS[Asn78Lys]GEFPFLTSSE

ClinVar aggregate classification (germline): Conflicting classifications of pathogenicity. Review status: criteria provided, conflicting classifications (1 of 4 stars). 2 submissions from 2 submitters: Likely pathogenic (1); Uncertain significance (1). Last evaluated 2024-06-14.

Conditions:
Primary hyperoxaluria type 3. Also called: PH III. Identifiers: Orphanet 416, Orphanet 93600, MedGen C3150878, MONDO:0013327, OMIM 613616. Disease mechanism: loss of function.

Allele frequency attached by ClinVar (database versions not stated): gnomAD 0.00001; ExAC 0.00002.
gnomAD v4.1: 11 of 1,614,016 alleles (0.00068%); highest among the groups gnomAD compares: Admixed American, 0.017%; no homozygotes.

Submissions (2):

Women's Health and Genetics/Laboratory Corporation of America, LabCorp
Classification: Uncertain significance. Last evaluated: 2024-06-14. Review status: criteria provided, single submitter. Criteria: LabCorp Variant Classification Summary - May 2015. Collection method: clinical testing. Allele origin: germline.
Comment: Variant summary: HOGA1 c.234T>A (p.Asn78Lys) results in a non-conservative amino acid change in the encoded protein sequence. Five of five in-silico tools predict a damaging effect of the variant on protein function. The variant allele was found at a frequency of 2.8e-05 in 251490 control chromosomes. The available data on variant occurrences in the general population are insufficient to allow any conclusion about variant significance. To our knowledge, no occurrence of c.234T>A in individuals affected with Primary Hyperoxaluria, Type III and no experimental evidence demonstrating its impact on protein function have been reported. ClinVar contains an entry for this variant (Variation ID: 2664108). Based on the evidence outlined above, the variant was classified as uncertain significance.

Rare Kidney Stone Consortium and the Mayo Clinic Hyperoxaluria Center, Mayo Clinic
Classification: Likely pathogenic for Primary hyperoxaluria type 3. Last evaluated: 2023-10-27. Review status: criteria provided, single submitter. Criteria: ACMG Guidelines, 2015. Collection method: clinical testing. Allele origin: germline. Affected: yes.
Comment: ACMG:PM2 PM3 PP3 PP4

Literature cited by the submitters: PubMed 34805638 (cited by Rare Kidney Stone Consortium and the Mayo Clinic Hyperoxaluria Center, Mayo Clinic).